The following is an entry in ClinVar:

ClinVar aggregate classification (germline): Uncertain significance. Review status: criteria provided, multiple submitters, no conflicts (2 of 4 stars). 2 submissions from 2 submitters: Uncertain significance (2). Last evaluated 2023-04-03.

Conditions:
Multiple endocrine neoplasia, type 1 (MEN1). Also called: MEN I; WERMER SYNDROME; Endocrine adenomatosis multiple; MEN 1; MEA I. Identifiers: Orphanet 652, MedGen C0025267, MeSH D018761, MONDO:0007540, OMIM 131100.

Submissions (2):

All of Us Research Program, National Institutes of Health
Classification: Uncertain significance for Multiple endocrine neoplasia, type 1. Last evaluated: 2023-04-03. Review status: criteria provided, single submitter. Criteria: ACMG Guidelines, 2015. Collection method: clinical testing. Allele origin: germline. Inheritance: Autosomal dominant inheritance. Observed: 1 variant allele, 1 heterozygote.
Comment: This missense variant replaces glutamic acid with glutamine at codon 477 of the MEN1 protein. Computational prediction suggests that this variant may have deleterious impact on protein structure and function (internally defined REVEL score threshold >= 0.7, PMID: 27666373). To our knowledge, functional studies have not been reported for this variant. This variant has not been reported in individuals affected with MEN1-related disorders in the literature. This variant has not been identified in the general population by the Genome Aggregation Database (gnomAD). The available evidence is insufficient to determine the role of this variant in disease conclusively. Therefore, this variant is classified as a Variant of Uncertain Significance.

This study involves interpretation of variants in research participants for the purpose of population health screening. Participant phenotype was not available at the time of variant classification. Additional details can be found in publication PMID: 35346344, PMCID: PMC8962531

Labcorp Genetics (formerly Invitae), Labcorp
Classification: Uncertain significance for Multiple endocrine neoplasia, type 1. Last evaluated: 2017-09-14. Review status: criteria provided, single submitter. Criteria: Invitae Variant Classification Sherloc (09022015). Collection method: clinical testing. Allele origin: germline.
Comment: This sequence change replaces glutamic acid with glutamine at codon 477 of the MEN1 protein (p.Glu477Gln). The glutamic acid residue is highly conserved and there is a small physicochemical difference between glutamic acid and glutamine. This variant is not present in population databases (ExAC no frequency). This variant has not been reported in the literature in individuals with MEN1-related disease. Algorithms developed to predict the effect of missense changes on protein structure and function do not agree on the potential impact of this missense change (SIFT: "Deleterious"; PolyPhen-2: "Probably Damaging"; Align-GVGD: "Class C0"). In summary, the available evidence is currently insufficient to determine the role of this variant in disease. Therefore, it has been classified as a Variant of Uncertain Significance.

NM_001370259.2(MEN1):c.1429G>C (p.Glu477Gln)

Gene: MEN1 (menin 1; minus strand). Cytogenetic location: 11q13.1.
Variant type: single nucleotide variant.
Coding change: c.1429G>C on transcript NM_001370259.2 (MANE Select); coding-DNA position 1429, G replaced by C.
Protein change: p.Glu477Gln; replaces glutamic acid 477 with glutamine.
Molecular consequence: missense variant.
Genome position (GRCh38, 1-based): chr11:64,804,738, C>G on the plus strand (G>C on the coding strand, the complement: MEN1 is on the minus strand). VCF-style: chr11-64804738-C-G. GRCh37 (hg19) VCF-style: chr11-64572210-C-G.
Other names: c.1444G>C, p.Glu482Gln (NM_000244.4, NM_130800.3, NM_130801.3 and 3 more transcripts); c.1555G>C, p.Glu519Gln (NM_001370251.2); c.1429G>C, p.Glu477Gln (NM_001370260.2, NM_001370261.2, NM_130799.3); c.1324G>C, p.Glu442Gln (NM_001370262.2, NM_001370263.2); short protein forms E477Q, E482Q, E442Q, E519Q.
Identifiers: ClinVar variation 527257 (VCV000527257.9), dbSNP rs863224526, ClinGen allele CA381179374.
Genomic context (GRCh38, chr11:64,804,738, plus strand): 5'-TCTTGGGCGGCGGGGGCTCCTCTGGCTTGGACTCCCGCCGTGGGCCCCGCCGCCGGCCTT[C>G]CCGGGCTTCCTCGCCCCACGGCTCCTCGGCCTCGGCCGCCTCGGCCTCTCGGCTCACTAT-3'
Protein context (NP_001357188.2, residues 467-487): AEEPWGEEAR[Glu477Gln]GRRRGPRRES